The following is an entry in ClinVar:

NM_000057.4(BLM):c.2801G>A (p.Trp934Ter)

Gene: BLM (BLM RecQ like helicase; plus strand). Cytogenetic location: 15q26.1.
Variant type: single nucleotide variant.
Coding change: c.2801G>A on transcript NM_000057.4 (MANE Select); coding-DNA position 2801, G replaced by A.
Protein change: p.Trp934Ter; replaces tryptophan 934 with a stop codon.
Molecular consequence: nonsense.
Genome position (GRCh38, 1-based): chr15:90,785,059, G>A. VCF-style: chr15-90785059-G-A. GRCh37 (hg19) VCF-style: chr15-91328289-G-A.
Other names: c.2801G>A (NM_000057.2); c.2801G>A, p.Trp934Ter (NM_001287246.2, NM_001287247.2); c.1676G>A, p.Trp559Ter (NM_001287248.2); short protein forms W559*, W934*.
Identifiers: ClinVar variation 850920 (VCV000850920.13), dbSNP rs1896712163, ClinGen allele CA393846147.
Genomic context (GRCh38, chr15:90,785,059, plus strand): 5'-CTGCTCTTGCTTACCATGCTGGCCTCAGTGATTCTGCCAGAGATGAAGTGCAGCAGAAGT[G>A]GATTAATCAGGATGGCTGTCAGGTAACATTTTTAAAGATAAACAAATAATAGAAATAATC-3'

ClinVar aggregate classification (germline): Pathogenic/Likely pathogenic. Review status: criteria provided, multiple submitters, no conflicts (2 of 4 stars). 4 submissions from 4 submitters: Pathogenic (2); Likely pathogenic (2). Last evaluated 2025-11-06.

Conditions:
Bloom syndrome (BLM). Also called: Bloom-Torre-Machacek syndrome. Identifiers: Orphanet 125, MedGen C0005859, MONDO:0008876, OMIM 210900.
Hereditary cancer-predisposing syndrome. Also called: Tumor predisposition; Neoplastic Syndromes, Hereditary; Hereditary neoplastic syndrome; Hereditary Cancer Syndrome. Identifiers: Orphanet 140162, MedGen C0027672, MeSH D009386, MONDO:0015356.

Allele frequency attached by ClinVar (database versions not stated): gnomAD exomes below 0.00001.
gnomAD v4.1: 1 of 1,613,936 alleles (0.000062%); highest among the groups gnomAD compares: Non-Finnish European, 0.000085%; no homozygotes.

Submissions (4):

Labcorp Genetics (formerly Invitae), Labcorp
Classification: Pathogenic for Bloom syndrome. Last evaluated: 2025-11-06. Review status: criteria provided, single submitter. Criteria: Invitae Variant Classification Sherloc (09022015). Collection method: clinical testing. Allele origin: germline.
Comment: This sequence change creates a premature translational stop signal (p.Trp934*) in the BLM gene. It is expected to result in an absent or disrupted protein product. Loss-of-function variants in BLM are known to be pathogenic (PMID: 17407155). This variant is not present in population databases (gnomAD no frequency). This variant has not been reported in the literature in individuals affected with BLM-related conditions. ClinVar contains an entry for this variant (Variation ID: 850920). For these reasons, this variant has been classified as Pathogenic.

Natera, Inc.
Classification: Likely pathogenic for Bloom syndrome. Last evaluated: 2024-11-27. Review status: criteria provided, single submitter. Criteria: Natera Variant Classification Schema (03/2026). Collection method: clinical testing. Allele origin: germline.
Comment: The c.2801G>A variant in BLM is a nonsense variant predicted to introduce a stop codon at amino acid 934. This variant is expected to result in nonsense mediated decay, truncation, or a dysfunctional protein product. This variant is rare in the general population with a frequency below the threshold expected for the associated phenotype(s). Given the available evidence, this variant is classified as Likely Pathogenic.

Fulgent Genetics
Classification: Likely pathogenic for Bloom syndrome. Last evaluated: 2024-01-19. Review status: criteria provided, single submitter. Criteria: ACMG Guidelines, 2015. Collection method: clinical testing. Allele origin: germline.

Ambry Genetics
Classification: Pathogenic for Hereditary cancer-predisposing syndrome. Last evaluated: 2023-07-13. Review status: criteria provided, single submitter. Criteria: Ambry Variant Classification Scheme 2023. Collection method: clinical testing. Allele origin: germline.
Comment: The p.W934* pathogenic mutation (also known as c.2801G>A), located in coding exon 13 of the BLM gene, results from a G to A substitution at nucleotide position 2801. This changes the amino acid from a tryptophan to a stop codon within coding exon 13. This variant is considered to be rare based on population cohorts in the Genome Aggregation Database (gnomAD). This alteration is expected to result in loss of function by premature protein truncation or nonsense-mediated mRNA decay. As such, this alteration is interpreted as a disease-causing mutation.

Literature cited by the submitters: PubMed 17407155 (cited by Labcorp Genetics (formerly Invitae), Labcorp).